The following is an entry in ClinVar:

ClinVar aggregate classification (germline): Uncertain significance. Review status: criteria provided, multiple submitters, no conflicts (2 of 4 stars). 2 submissions from 2 submitters: Uncertain significance (2). Last evaluated 2025-01-03.

Conditions:
RASopathy. Also called: Noonan spectrum disorder; rasopathies. Identifiers: Orphanet 536391, MedGen C5555857, MONDO:0021060.

Submissions (2):

GeneDx
Classification: Uncertain significance. Last evaluated: 2025-01-03. Review status: criteria provided, single submitter. Criteria: GeneDx Variant Classification Process June 2021. Collection method: clinical testing. Allele origin: germline. Affected: yes.
Comment: Not observed at significant frequency in large population cohorts (gnomAD); Missense variants in this gene are a common cause of disease and they are underrepresented in the general population; In silico analysis supports that this missense variant has a deleterious effect on protein structure/function; Has not been previously published as pathogenic or benign to our knowledge; This variant is associated with the following publications: (PMID: 29493581)

Labcorp Genetics (formerly Invitae), Labcorp
Classification: Uncertain significance for RASopathy. Last evaluated: 2024-11-25. Review status: criteria provided, single submitter. Criteria: Invitae Variant Classification Sherloc (09022015). Collection method: clinical testing. Allele origin: germline.
Comment: This sequence change replaces proline, which is neutral and non-polar, with serine, which is neutral and polar, at codon 266 of the MAP2K1 protein (p.Pro266Ser). This variant is not present in population databases (gnomAD no frequency). This variant has not been reported in the literature in individuals affected with MAP2K1-related conditions. Invitae Evidence Modeling of protein sequence and biophysical properties (such as structural, functional, and spatial information, amino acid conservation, physicochemical variation, residue mobility, and thermodynamic stability) has been performed for this missense variant. However, the output from this modeling did not meet the statistical confidence thresholds required to predict the impact of this variant on MAP2K1 protein function. In summary, the available evidence is currently insufficient to determine the role of this variant in disease. Therefore, it has been classified as a Variant of Uncertain Significance.

NM_002755.4(MAP2K1):c.796C>T (p.Pro266Ser)

Gene: MAP2K1 (mitogen-activated protein kinase kinase 1; plus strand). Cytogenetic location: 15q22.31.
Variant type: single nucleotide variant.
Coding change: c.796C>T on transcript NM_002755.4 (MANE Select); coding-DNA position 796, C replaced by T.
Protein change: p.Pro266Ser; replaces proline 266 with serine.
Molecular consequence: missense variant.
Genome position (GRCh38, 1-based): chr15:66,485,092, C>T. VCF-style: chr15-66485092-C-T. GRCh37 (hg19) VCF-style: chr15-66777430-C-T.
Other names: c.652C>T, p.Pro218Ser (NM_001411065.1); short protein forms P266S, P218S.
Identifiers: ClinVar variation 3721180 (VCV003721180.3).